The following is an entry in ClinVar:

NM_000539.3(RHO):c.977A>G (p.Asn326Ser)

Gene: RHO (rhodopsin; plus strand). Cytogenetic location: 3q22.1.
Variant type: single nucleotide variant.
Coding change: c.977A>G on transcript NM_000539.3 (MANE Select); coding-DNA position 977, A replaced by G.
Protein change: p.Asn326Ser; replaces asparagine 326 with serine.
Molecular consequence: missense variant.
Genome position (GRCh38, 1-based): chr3:129,533,648, A>G. VCF-style: chr3-129533648-A-G. GRCh37 (hg19) VCF-style: chr3-129252491-A-G.
Other names: short protein forms N326S.
Identifiers: ClinVar variation 1464231 (VCV001464231.6), dbSNP rs1264835715, ClinGen allele CA354471157.

ClinVar aggregate classification (germline): Uncertain significance (1 of 4 stars; one submission).

Allele frequency attached by ClinVar (database versions not stated): gnomAD exomes below 0.00001.
gnomAD v4.1: 3 of 1,613,998 alleles (0.00019%); highest among the groups gnomAD compares: Non-Finnish European, 0.00017%; no homozygotes.

Submission:

Labcorp Genetics (formerly Invitae), Labcorp
Classification: Uncertain significance. Last evaluated: 2022-10-13. Review status: criteria provided, single submitter. Criteria: Invitae Variant Classification Sherloc (09022015). Collection method: clinical testing. Allele origin: germline.
Comment: In summary, the available evidence is currently insufficient to determine the role of this variant in disease. Therefore, it has been classified as a Variant of Uncertain Significance. Advanced modeling of protein sequence and biophysical properties (such as structural, functional, and spatial information, amino acid conservation, physicochemical variation, residue mobility, and thermodynamic stability) performed at Invitae indicates that this missense variant is expected to disrupt RHO protein function. ClinVar contains an entry for this variant (Variation ID: 1464231). This variant has not been reported in the literature in individuals affected with RHO-related conditions. This variant is not present in population databases (gnomAD no frequency). This sequence change replaces asparagine, which is neutral and polar, with serine, which is neutral and polar, at codon 326 of the RHO protein (p.Asn326Ser).